The following is an entry in ClinVar:

NC_000002.11:g.(?_166847976)_(166851014_?)del

Gene: SCN1A (sodium voltage-gated channel alpha subunit 1; minus strand). Cytogenetic location: 2q24.3.
Variant type: Deletion.
Identifiers: ClinVar variation 1503963 (VCV001503963.5).

ClinVar aggregate classification (germline): Likely pathogenic (1 of 4 stars; one submission).

Conditions:
Developmental and epileptic encephalopathy. Identifiers: MedGen C5779964, MONDO:0100620.

Submission:

Labcorp Genetics (formerly Invitae), Labcorp
Classification: Likely pathogenic for Early-infantile DEE. Last evaluated: 2021-05-23. Review status: criteria provided, single submitter. Criteria: Invitae Variant Classification Sherloc (09022015). Collection method: clinical testing. Allele origin: germline.
Comment: This variant results in the deletion of exon 25 and part of exon 26 (c.4582-88_5809del) of the SCN1A gene. While this variant is not anticipated to result in nonsense mediated decay, it likely alters RNA splicing and results in a disrupted protein product. This variant disrupts the p.Gln1923 amino acid residue in SCN1A. Other variant(s) that disrupt this residue have been determined to be pathogenic (Invitae). This suggests that this residue is clinically significant, and that variants that disrupt this residue are likely to be disease-causing. In summary, the currently available evidence indicates that the variant is pathogenic, but additional data are needed to prove that conclusively. Therefore, this variant has been classified as Likely Pathogenic. Nucleotide substitutions within the consensus splice site are a relatively common cause of aberrant splicing (PMID: 17576681, 9536098). Experimental studies and prediction algorithms are not available or were not evaluated, and the functional significance of this variant is currently unknown. This variant has not been reported in the literature in individuals with SCN1A-related conditions.

Literature cited by the submitters: PubMed 17576681; PubMed 9536098.